The following is an entry in ClinVar:

ClinVar aggregate classification (germline): Conflicting classifications of pathogenicity. Review status: criteria provided, conflicting classifications (1 of 4 stars). 3 submissions from 3 submitters: Uncertain significance (2); Likely benign (1). Last evaluated 2026-05-20.

Conditions:
Chromosome 2q32-q33 deletion syndrome (GLASS). Also called: 2q33.1 deletion syndrome; Glass syndrome. Identifiers: Orphanet 251019, MedGen C2676739, MONDO:0012864, OMIM 612313.
Inborn genetic diseases. Identifiers: MedGen C0950123, MeSH D030342.

Allele frequency attached by ClinVar (database versions not stated): gnomAD 0.00001 and 0.00002; gnomAD exomes 0.00001 and 0.00002; ExAC 0.00002; TOPMed 0.00002; ESP Exome Variant Server 0.00008.
gnomAD v4.1: 20 of 1,613,982 alleles (0.0012%); highest among the groups gnomAD compares: Non-Finnish European, 0.0017%; no homozygotes.

Submissions (3):

Ambry Genetics
Classification: Likely benign for Inborn genetic diseases. Last evaluated: 2026-05-20. Review status: criteria provided, single submitter. Criteria: Ambry Variant Classification Scheme 2023. Collection method: clinical testing. Allele origin: germline.

Labcorp Genetics (formerly Invitae), Labcorp
Classification: Uncertain significance for Chromosome 2q32-q33 deletion syndrome. Last evaluated: 2023-12-19. Review status: criteria provided, single submitter. Criteria: Invitae Variant Classification Sherloc (09022015). Collection method: clinical testing. Allele origin: germline.
Comment: This sequence change replaces tyrosine, which is neutral and polar, with cysteine, which is neutral and slightly polar, at codon 130 of the SATB2 protein (p.Tyr130Cys). This variant is present in population databases (rs372822699, gnomAD 0.004%). This variant has not been reported in the literature in individuals affected with SATB2-related conditions. ClinVar contains an entry for this variant (Variation ID: 809135). Advanced modeling of protein sequence and biophysical properties (such as structural, functional, and spatial information, amino acid conservation, physicochemical variation, residue mobility, and thermodynamic stability) performed at Invitae indicates that this missense variant is expected to disrupt SATB2 protein function with a positive predictive value of 95%. In summary, the available evidence is currently insufficient to determine the role of this variant in disease. Therefore, it has been classified as a Variant of Uncertain Significance.

CeGaT Center for Human Genetics Tuebingen
Classification: Uncertain significance. Last evaluated: 2019-04-01. Review status: criteria provided, single submitter. Criteria: CeGaT Center For Human Genetics Tuebingen Variant Classification Criteria Version 2. Collection method: clinical testing. Allele origin: germline. Affected: yes. Observed: 2 variant alleles.

NM_001172509.2(SATB2):c.389A>G (p.Tyr130Cys)

Gene: SATB2 (SATB homeobox 2; minus strand). Cytogenetic location: 2q33.1.
Variant type: single nucleotide variant.
Coding change: c.389A>G on transcript NM_001172509.2 (MANE Select); coding-DNA position 389, A replaced by G.
Protein change: p.Tyr130Cys; replaces tyrosine 130 with cysteine.
Molecular consequence: missense variant.
Genome position (GRCh38, 1-based): chr2:199,381,778, T>C on the plus strand (A>G on the coding strand, the complement: SATB2 is on the minus strand). VCF-style: chr2-199381778-T-C. GRCh37 (hg19) VCF-style: chr2-200246501-T-C.
Other names: c.389A>G (NM_015265.3); c.389A>G, p.Tyr130Cys (NM_001172517.1, NM_015265.4); short protein forms Y130C.
Identifiers: ClinVar variation 809135 (VCV000809135.46), dbSNP rs372822699, ClinGen allele CA2046097.
Genomic context (GRCh38, chr2:199,381,778, plus strand): 5'-ACAACATGATAGACATCTTGTAGCATGTCGGCCACTGTCGCGTCGGGTGCATCTGTCACA[T>C]AACTGAGGGGGAGAGGGTTCCACCTTCCCAGCTTGATTATTCCTGCACAGGGAAGAAAAA-3'
Protein context (NP_001165980.1, residues 120-140): LGRWNPLPLS[Tyr130Cys]VTDAPDATVA